The following is an entry in ClinVar:

ClinVar aggregate classification (germline): Uncertain significance. Review status: criteria provided, multiple submitters, no conflicts (2 of 4 stars). 2 submissions from 2 submitters: Uncertain significance (2). Last evaluated 2025-04-10.

Conditions:
DICER1-related tumor predisposition. Also called: DICER1-related pleuropulmonary blastoma cancer predisposition syndrome; DICER1 syndrome. Identifiers: Orphanet 284343, MedGen C3839822, MONDO:0100216.
Hereditary cancer-predisposing syndrome. Also called: Tumor predisposition; Neoplastic Syndromes, Hereditary; Hereditary Cancer Syndrome; Hereditary neoplastic syndrome. Identifiers: Orphanet 140162, MedGen C0027672, MeSH D009386, MONDO:0015356.

Allele frequency attached by ClinVar (database versions not stated): gnomAD exomes 0.00001.

Submissions (2):

Ambry Genetics
Classification: Uncertain significance for Hereditary cancer-predisposing syndrome. Last evaluated: 2025-04-10. Review status: criteria provided, single submitter. Criteria: Ambry Variant Classification Scheme 2023. Collection method: clinical testing. Allele origin: germline.
Comment: The p.P1281L variant (also known as c.3842C>T), located in coding exon 20 of the DICER1 gene, results from a C to T substitution at nucleotide position 3842. The proline at codon 1281 is replaced by leucine, an amino acid with similar properties. This amino acid position is not well conserved in available vertebrate species. In addition, this alteration is predicted to be tolerated by in silico analysis. Based on the available evidence, the clinical significance of this variant remains unclear.

Labcorp Genetics (formerly Invitae), Labcorp
Classification: Uncertain significance for DICER1-related tumor predisposition. Last evaluated: 2025-03-13. Review status: criteria provided, single submitter. Criteria: Invitae Variant Classification Sherloc (09022015). Collection method: clinical testing. Allele origin: germline.
Comment: This sequence change replaces proline, which is neutral and non-polar, with leucine, which is neutral and non-polar, at codon 1281 of the DICER1 protein (p.Pro1281Leu). This variant is present in population databases (no rsID available, gnomAD 0.006%). This variant has not been reported in the literature in individuals affected with DICER1-related conditions. ClinVar contains an entry for this variant (Variation ID: 477166). Invitae Evidence Modeling of protein sequence and biophysical properties (such as structural, functional, and spatial information, amino acid conservation, physicochemical variation, residue mobility, and thermodynamic stability) indicates that this missense variant is not expected to disrupt DICER1 protein function with a negative predictive value of 95%. In summary, the available evidence is currently insufficient to determine the role of this variant in disease. Therefore, it has been classified as a Variant of Uncertain Significance.

NM_177438.3(DICER1):c.3842C>T (p.Pro1281Leu)

Gene: DICER1 (dicer 1, ribonuclease III; minus strand). Cytogenetic location: 14q32.13.
Variant type: single nucleotide variant.
Coding change: c.3842C>T on transcript NM_177438.3 (MANE Select); coding-DNA position 3842, C replaced by T.
Protein change: p.Pro1281Leu; replaces proline 1281 with leucine.
Molecular consequence: missense variant.
Genome position (GRCh38, 1-based): chr14:95,103,554, G>A on the plus strand (C>T on the coding strand, the complement: DICER1 is on the minus strand). VCF-style: chr14-95103554-G-A. GRCh37 (hg19) VCF-style: chr14-95569891-G-A.
Other names: c.3842C>T, p.Pro1281Leu (NM_001195573.1, NM_001271282.3, NM_001291628.2 and 1 more transcripts); short protein forms P1281L.
Identifiers: ClinVar variation 477166 (VCV000477166.12), dbSNP rs1306948597, ClinGen allele CA390873326.
Genomic context (GRCh38, chr14:95,103,554, plus strand): 5'-AAAGCCTGAAGAATAAGTCCAGGATTGGGGCCAAGAGTCCTTGAGGAGTACCCAATAGAA[G>A]GGCTCTGCTCAGAATCCATCCTGCCCTTGAGCACTTGAATAGTGTCTGTCGTACCAGGCA-3'
Protein context (NP_803187.1, residues 1271-1291): LKGRMDSEQS[Pro1281Leu]SIGYSSRTLG